The following is an entry in ClinVar:

ClinVar aggregate classification (germline): Conflicting classifications of pathogenicity. Review status: criteria provided, conflicting classifications (1 of 4 stars). 6 submissions from 6 submitters: Uncertain significance (1); Benign (1); Likely benign (3). 1 of the submissions does not count toward it. Last evaluated 2025-11-17.

Conditions:
KMT2D-related disorder. Also called: KMT2D-Related Disorders.
Inborn genetic diseases. Identifiers: MedGen C0950123, MeSH D030342.
Kabuki syndrome. Also called: Kabuki make-up syndrome; NIIKAWA-KUROKI SYNDROME. Identifiers: Orphanet 2322, MedGen C0796004, MONDO:0016512.

Allele frequency attached by ClinVar (database versions not stated): TOPMed 0.00002; gnomAD exomes 0.00004 and 0.00005; ExAC 0.00005; gnomAD 0.00005.
gnomAD v4.1: 83 of 1,612,806 alleles (0.0051%); highest among the groups gnomAD compares: Admixed American, 0.0067%; no homozygotes.

Submissions (6):

Labcorp Genetics (formerly Invitae), Labcorp
Classification: Benign for Kabuki syndrome. Last evaluated: 2025-11-17. Review status: criteria provided, single submitter. Criteria: Invitae Variant Classification Sherloc (09022015). Collection method: clinical testing. Allele origin: germline.

Blueprint Genetics
Classification: Likely benign. Last evaluated: 2024-11-19. Review status: criteria provided, single submitter. Criteria: ACMG Guidelines, 2015. Collection method: clinical testing. Allele origin: germline.

Ambry Genetics
Classification: Likely benign for Inborn genetic diseases. Last evaluated: 2021-07-14. Review status: criteria provided, single submitter. Criteria: Ambry Variant Classification Scheme 2023. Collection method: clinical testing. Allele origin: germline.

GeneDx
Classification: Likely benign. Last evaluated: 2020-07-15. Review status: criteria provided, single submitter. Criteria: GeneDx Variant Classification Process June 2021. Collection method: clinical testing. Allele origin: germline. Affected: yes.

Eurofins Ntd Llc (ga)
Classification: Uncertain significance. Last evaluated: 2018-08-13. Review status: criteria provided, single submitter. Criteria: EGL ClinVar v180209 classification definitions. Collection method: clinical testing. Allele origin: germline. Observed: 1 variant allele, 1 heterozygote.

PreventionGenetics, part of Exact Sciences
Classification: Likely benign for KMT2D-related condition. Last evaluated: 2023-12-18. Review status: no assertion criteria provided. Collection method: clinical testing. Allele origin: germline. Not counted in ClinVar's aggregate classification.
Comment: This variant is classified as likely benign based on ACMG/AMP sequence variant interpretation guidelines (Richards et al. 2015 PMID: 25741868, with internal and published modifications).

NM_003482.4(KMT2D):c.14474G>A (p.Arg4825Gln)

Gene: KMT2D (lysine methyltransferase 2D; minus strand). Cytogenetic location: 12q13.12.
Variant type: single nucleotide variant.
Coding change: c.14474G>A on transcript NM_003482.4 (MANE Select); coding-DNA position 14474, G replaced by A.
Protein change: p.Arg4825Gln; replaces arginine 4825 with glutamine.
Molecular consequence: missense variant.
Genome position (GRCh38, 1-based): chr12:49,028,050, C>T on the plus strand (G>A on the coding strand, the complement: KMT2D is on the minus strand). VCF-style: chr12-49028050-C-T. GRCh37 (hg19) VCF-style: chr12-49421833-C-T.
Other names: short protein forms R4825Q.
Identifiers: ClinVar variation 598159 (VCV000598159.17), dbSNP rs758494772, ClinGen allele CA6545735.